The following is an entry in ClinVar:

ClinVar aggregate classification (germline): Uncertain significance (1 of 4 stars; one submission).

Submission:

GeneDx
Classification: Uncertain significance. Last evaluated: 2022-07-05. Review status: criteria provided, single submitter. Criteria: GeneDx Variant Classification Process June 2021. Collection method: clinical testing. Allele origin: germline.
Comment: Not observed at significant frequency in large population cohorts (gnomAD); Frameshift variant predicted to result in protein truncation or nonsense mediated decay in a gene or region of a gene for which loss of function is not a well-established mechanism of disease; Has not been previously published as pathogenic or benign to our knowledge; Variants in candidate genes are classified as variants of uncertain significance in accordance with ACMG guidelines (Richards et al., 2015)

NM_014921.5(ADGRL1):c.306_312del (p.Cys102fs)

Genes: ADGRL1 (adhesion G protein-coupled receptor L1; minus strand), ADGRL1-AS1 (ADGRL1 antisense RNA 1; plus strand). Cytogenetic location: 19p13.12.
Variant type: Deletion.
Coding change: c.306_312del on transcript NM_014921.5 (MANE Select); coding-DNA positions 306 to 312, 7 bases deleted (CGTGGTG; older notation c.306_312delCGTGGTG).
Protein change: p.Cys102fs; shifts the reading frame from cysteine 102.
Molecular consequence: frameshift variant. On other transcripts: non-coding transcript variant (1).
Genome position (GRCh38, 1-based): chr19:14,170,764-14,170,770, CACCACG deleted on the plus strand (CGTGGTG on the coding strand, the reverse complement: ADGRL1 is on the minus strand); deleting any 7 consecutive bases within chr19:14,170,764-14,170,773 gives the same sequence; the c. name uses the placement nearest the transcript's 3' end. VCF-style (leftmost placement, unchanged base first): chr19-14170763-CCACCACG-C. GRCh37 (hg19) VCF-style: chr19-14281575-CCACCACG-C.
Other names: c.306_312del, p.Cys102fs (NM_001008701.3); short protein forms C102fs.
Identifiers: ClinVar variation 4888156 (VCV004888156.1).